The following is an entry in ClinVar:

NM_001111067.4(ACVR1):c.1395G>A (p.Pro465=)

Gene: ACVR1 (activin A receptor type 1; minus strand). Cytogenetic location: 2q24.1.
Variant type: single nucleotide variant.
Coding change: c.1395G>A on transcript NM_001111067.4 (MANE Select); coding-DNA position 1395, G replaced by A.
Protein change: p.Pro465=; no amino-acid change (proline 465 retained).
Molecular consequence: synonymous variant.
Genome position (GRCh38, 1-based): chr2:157,738,440, C>T on the plus strand (G>A on the coding strand, the complement: ACVR1 is on the minus strand). VCF-style: chr2-157738440-C-T. GRCh37 (hg19) VCF-style: chr2-158594952-C-T.
Other names: c.1395G>A, p.Pro465= (NM_001105.5, NM_001347663.1, NM_001347664.1 and 3 more transcripts).
Identifiers: ClinVar variation 3006873 (VCV003006873.9), dbSNP rs373855918, ClinGen allele CA1918963.

ClinVar aggregate classification (germline): Conflicting classifications of pathogenicity. Review status: criteria provided, conflicting classifications (1 of 4 stars). 2 submissions from 2 submitters: Uncertain significance (1); Likely benign (1). Last evaluated 2025-10-01.

Allele frequency attached by ClinVar (database versions not stated): ExAC 0.00002; gnomAD 0.00002; ESP Exome Variant Server 0.00008.
gnomAD v4.1: 12 of 1,613,910 alleles (0.00074%); highest among the groups gnomAD compares: East Asian, 0.0045%; no homozygotes.

Submissions (2):

CeGaT Center for Human Genetics Tuebingen
Classification: Likely benign. Last evaluated: 2025-10-01. Review status: criteria provided, single submitter. Criteria: CeGaT Center For Human Genetics Tuebingen Variant Classification Criteria Version 2. Collection method: clinical testing. Allele origin: germline. Affected: yes. Observed: 1 variant allele.
Comment: ACVR1: BP4, BP7

Labcorp Genetics (formerly Invitae), Labcorp
Classification: Uncertain significance. Last evaluated: 2023-10-09. Review status: criteria provided, single submitter. Criteria: Invitae Variant Classification Sherloc (09022015). Collection method: clinical testing. Allele origin: germline.
Comment: This sequence change affects codon 465 of the ACVR1 mRNA. It is a 'silent' change, meaning that it does not change the encoded amino acid sequence of the ACVR1 protein. This variant also falls at the last nucleotide of exon 10, which is part of the consensus splice site for this exon. This variant is present in population databases (rs373855918, gnomAD 0.005%). This variant has not been reported in the literature in individuals affected with ACVR1-related conditions. Variants that disrupt the consensus splice site are a relatively common cause of aberrant splicing (PMID: 17576681, 9536098). Algorithms developed to predict the effect of sequence changes on RNA splicing suggest that this variant may create or strengthen a splice site. In summary, the available evidence is currently insufficient to determine the role of this variant in disease. Therefore, it has been classified as a Variant of Uncertain Significance.

Literature cited by the submitters: PubMed 17576681 (cited by Labcorp Genetics (formerly Invitae), Labcorp); PubMed 9536098 (cited by Labcorp Genetics (formerly Invitae), Labcorp).